The following is an entry in ClinVar:

ClinVar aggregate classification (germline): Uncertain significance. Review status: criteria provided, multiple submitters, no conflicts (2 of 4 stars). 2 submissions from 2 submitters: Uncertain significance (2). Last evaluated 2025-07-01.

Conditions:
Inborn genetic diseases. Identifiers: MedGen C0950123, MeSH D030342.

gnomAD v4.1: 21 of 1,265,706 alleles (0.0017%); highest among the groups gnomAD compares: Non-Finnish European, 0.0002%; no homozygotes.

Submissions (2):

Ambry Genetics
Classification: Uncertain significance for Inborn genetic diseases. Last evaluated: 2025-07-01. Review status: criteria provided, single submitter. Criteria: Ambry Variant Classification Scheme 2023. Collection method: clinical testing. Allele origin: germline.

GeneDx
Classification: Uncertain significance. Last evaluated: 2022-11-08. Review status: criteria provided, single submitter. Criteria: GeneDx Variant Classification Process June 2021. Collection method: clinical testing. Allele origin: germline. Affected: yes.
Comment: Not observed at significant frequency in large population cohorts (gnomAD); In silico analysis supports that this missense variant does not alter protein structure/function; Has not been previously published as pathogenic or benign to our knowledge

NM_183357.3(ADCY5):c.17G>A (p.Ser6Asn)

Gene: ADCY5 (adenylate cyclase 5; minus strand). Cytogenetic location: 3q21.1.
Variant type: single nucleotide variant.
Coding change: c.17G>A on transcript NM_183357.3 (MANE Select); coding-DNA position 17, G replaced by A.
Protein change: p.Ser6Asn; replaces serine 6 with asparagine.
Molecular consequence: missense variant.
Genome position (GRCh38, 1-based): chr3:123,448,529, C>T on the plus strand (G>A on the coding strand, the complement: ADCY5 is on the minus strand). VCF-style: chr3-123448529-C-T. GRCh37 (hg19) VCF-style: chr3-123167376-C-T.
Other names: c.17G>A, p.Ser6Asn (NM_001378259.1); short protein forms S6N.
Identifiers: ClinVar variation 2501567 (VCV002501567.2), dbSNP rs977612868, ClinGen allele CA82636622.
Genomic context (GRCh38, chr3:123,448,529, plus strand): 5'-GGGCCTCCCCGGGGCGCCGGCGCCGCAGTCTTCTGCGCCGCGTAGCCCGGGGGGCTCACG[C>T]TTTTGGAGCCGGACATCCCCCCCTCGGCCTCGTCGTCTCCTTCCTCCTCCCCCGGAAGCC-3'
Protein context (NP_899200.1, residues 1-16): MSGSK[Ser6Asn]VSPPGYAAQK